The following is an entry in ClinVar:

NM_005157.6(ABL1):c.1252A>G (p.Ile418Val)

Gene: ABL1 (ABL proto-oncogene 1, non-receptor tyrosine kinase; plus strand). Cytogenetic location: 9q34.12.
Variant type: single nucleotide variant.
Coding change: c.1252A>G on transcript NM_005157.6 (MANE Select); coding-DNA position 1252, A replaced by G.
Protein change: p.Ile418Val; replaces isoleucine 418 with valine.
Molecular consequence: missense variant.
Genome position (GRCh38, 1-based): chr9:130,875,034, A>G. VCF-style: chr9-130875034-A-G. GRCh37 (hg19) VCF-style: chr9-133750421-A-G.
Other names: c.1309A>G, p.Ile437Val (NM_007313.3); short protein forms I418V, I437V.
Identifiers: ClinVar variation 3652826 (VCV003652826.2).

ClinVar aggregate classification (germline): Uncertain significance (1 of 4 stars; one submission).

Submission:

Labcorp Genetics (formerly Invitae), Labcorp
Classification: Uncertain significance. Last evaluated: 2024-05-09. Review status: criteria provided, single submitter. Criteria: Invitae Variant Classification Sherloc (09022015). Collection method: clinical testing. Allele origin: germline.
Comment: This sequence change replaces isoleucine, which is neutral and non-polar, with valine, which is neutral and non-polar, at codon 437 of the ABL1 protein (p.Ile437Val). This variant is not present in population databases (gnomAD no frequency). This variant has not been reported in the literature in individuals affected with ABL1-related conditions. Advanced modeling of protein sequence and biophysical properties (such as structural, functional, and spatial information, amino acid conservation, physicochemical variation, residue mobility, and thermodynamic stability) performed at Invitae indicates that this missense variant is expected to disrupt ABL1 protein function with a positive predictive value of 80%. In summary, the available evidence is currently insufficient to determine the role of this variant in disease. Therefore, it has been classified as a Variant of Uncertain Significance.